The following is an entry in ClinVar:

NM_000719.7(CACNA1C):c.694G>T (p.Asp232Tyr)

Gene: CACNA1C (calcium voltage-gated channel subunit alpha1 C; plus strand). Cytogenetic location: 12p13.33.
Variant type: single nucleotide variant.
Coding change: c.694G>T on transcript NM_000719.7 (MANE Select); coding-DNA position 694, G replaced by T.
Protein change: p.Asp232Tyr; replaces aspartic acid 232 with tyrosine.
Molecular consequence: missense variant.
Genome position (GRCh38, 1-based): chr12:2,457,643, G>T. VCF-style: chr12-2457643-G-T. GRCh37 (hg19) VCF-style: chr12-2566809-G-T.
Other names: c.694G>T, p.Asp232Tyr (NM_001129827.2, NM_001129829.2, NM_001129830.3 and 19 more transcripts); short protein forms D232Y.
Identifiers: ClinVar variation 5008481 (VCV005008481.1).

ClinVar aggregate classification (germline): Uncertain significance (1 of 4 stars; one submission).

Submission:

GeneDx
Classification: Uncertain significance. Last evaluated: 2026-03-03. Review status: criteria provided, single submitter. Criteria: GeneDx Variant Classification Process June 2021. Collection method: clinical testing. Allele origin: germline.
Comment: Not observed at significant frequency in large population cohorts (gnomAD); In silico analysis supports that this missense variant has a deleterious effect on protein structure/function; Has not been previously published as pathogenic or benign to our knowledge